The following is an entry in ClinVar:

ClinVar aggregate classification (germline): Uncertain significance. Review status: criteria provided, multiple submitters, no conflicts (2 of 4 stars). 2 submissions from 2 submitters: Uncertain significance (2). Last evaluated 2023-07-03.

Conditions:
INPP5E-related disorder. Also called: INPP5E-related condition.
Joubert syndrome. Also called: CEREBELLOPARENCHYMAL DISORDER IV; JOUBERT-BOLTSHAUSER SYNDROME; Familial aplasia of the vermis. Identifiers: Orphanet 475, MedGen C5979921, MONDO:0018772.

Submissions (2):

PreventionGenetics, part of Exact Sciences
Classification: Uncertain significance for INPP5E-related condition. Last evaluated: 2023-07-03. Review status: criteria provided, single submitter. Criteria: ACMG Guidelines, 2015. Collection method: clinical testing. Allele origin: germline.
Comment: The INPP5E c.931C>G variant is predicted to result in the amino acid substitution p.Gln311Glu. To our knowledge, this variant has not been reported in the literature or in a large population database, indicating this variant is rare. At this time, the clinical significance of this variant is uncertain due to the absence of conclusive functional and genetic evidence.

Labcorp Genetics (formerly Invitae), Labcorp
Classification: Uncertain significance for Joubert syndrome. Last evaluated: 2021-01-08. Review status: criteria provided, single submitter. Criteria: Invitae Variant Classification Sherloc (09022015). Collection method: clinical testing. Allele origin: germline.
Comment: This variant has not been reported in the literature in individuals with INPP5E-related conditions. Advanced modeling of protein sequence and biophysical properties (such as structural, functional, and spatial information, amino acid conservation, physicochemical variation, residue mobility, and thermodynamic stability) performed at Invitae indicates that this missense variant is not expected to disrupt INPP5E protein function. In summary, the available evidence is currently insufficient to determine the role of this variant in disease. Therefore, it has been classified as a Variant of Uncertain Significance. This sequence change replaces glutamine with glutamic acid at codon 311 of the INPP5E protein (p.Gln311Glu). The glutamine residue is moderately conserved and there is a small physicochemical difference between glutamine and glutamic acid. This variant is not present in population databases (ExAC no frequency).

NM_019892.6(INPP5E):c.931C>G (p.Gln311Glu)

Gene: INPP5E (inositol polyphosphate-5-phosphatase E; minus strand). Cytogenetic location: 9q34.3.
Variant type: single nucleotide variant.
Coding change: c.931C>G on transcript NM_019892.6 (MANE Select); coding-DNA position 931, C replaced by G.
Protein change: p.Gln311Glu; replaces glutamine 311 with glutamic acid.
Molecular consequence: missense variant.
Genome position (GRCh38, 1-based): chr9:136,434,745, G>C on the plus strand (C>G on the coding strand, the complement: INPP5E is on the minus strand). VCF-style: chr9-136434745-G-C. GRCh37 (hg19) VCF-style: chr9-139329197-G-C.
Other names: c.931C>G, p.Gln311Glu (NM_001318502.2); c.931C>G (NM_019892.5); short protein forms Q311E.
Identifiers: ClinVar variation 1480171 (VCV001480171.9), dbSNP rs2131611242, ClinGen allele CA375565613.